The following is an entry in ClinVar:

ClinVar aggregate classification (germline): Uncertain significance (1 of 4 stars; one submission).

Submission:

GeneDx
Classification: Uncertain significance. Last evaluated: 2026-02-09. Review status: criteria provided, single submitter. Criteria: GeneDx Variant Classification Process June 2021. Collection method: clinical testing. Allele origin: germline.
Comment: Not observed at significant frequency in large population cohorts (gnomAD); In silico analysis supports that this missense variant has a deleterious effect on protein structure/function; Has not been previously published as pathogenic or benign to our knowledge

NM_000414.4(HSD17B4):c.1222G>A (p.Glu408Lys)

Gene: HSD17B4 (hydroxysteroid 17-beta dehydrogenase 4; plus strand). Cytogenetic location: 5q23.1.
Variant type: single nucleotide variant.
Coding change: c.1222G>A on transcript NM_000414.4 (MANE Select); coding-DNA position 1222, G replaced by A.
Protein change: p.Glu408Lys; replaces glutamic acid 408 with lysine.
Molecular consequence: missense variant. On other transcripts: non-coding transcript variant (2).
Genome position (GRCh38, 1-based): chr5:119,502,053, G>A. VCF-style: chr5-119502053-G-A. GRCh37 (hg19) VCF-style: chr5-118837748-G-A.
Other names: c.1297G>A, p.Glu433Lys (NM_001199291.3); c.1168G>A, p.Glu390Lys (NM_001199292.2); c.1150G>A, p.Glu384Lys (NM_001292027.2); c.802G>A, p.Glu268Lys (NM_001292028.2); c.1213G>A, p.Glu405Lys (NM_001374497.1); c.1222G>A, p.Glu408Lys (NM_001374498.1); c.895G>A, p.Glu299Lys (NM_001374499.1); c.781G>A, p.Glu261Lys (NM_001374500.1); and 1 more; short protein forms E261K, E268K, E271K, E299K, E384K, E390K, E405K, E408K.
Identifiers: ClinVar variation 4976442 (VCV004976442.1).
Genomic context (GRCh38, chr5:119,502,053, plus strand): 5'-TGTGGAGCAAGAAAGTTTGCTAATAAAATTTTGTTTACCCTAACATAGGTTCTTCATGGA[G>A]AGCAGTACTTAGAGTTATATAAACCACTTCCCAGAGCAGGTGAGTTATTGATATACTAAT-3'
Protein context (NP_000405.1, residues 398-418): SINFAKVLHG[Glu408Lys]QYLELYKPLP